The following is an entry in ClinVar:

NM_004329.3(BMPR1A):c.1186G>A (p.Val396Met)

Gene: BMPR1A (bone morphogenetic protein receptor type 1A; plus strand). Cytogenetic location: 10q23.2.
Variant type: single nucleotide variant.
Coding change: c.1186G>A on transcript NM_004329.3 (MANE Select); coding-DNA position 1186, G replaced by A.
Protein change: p.Val396Met; replaces valine 396 with methionine.
Molecular consequence: missense variant.
Genome position (GRCh38, 1-based): chr10:86,921,539, G>A. VCF-style: chr10-86921539-G-A. GRCh37 (hg19) VCF-style: chr10-88681296-G-A.
Other names: short protein forms V396M.
Identifiers: ClinVar variation 818532 (VCV000818532.13), dbSNP rs1161972977, ClinGen allele CA377461877.
Genomic context (GRCh38, chr10:86,921,539, plus strand): 5'-TTTTGGCCCTCAACTTGGACCTTGGCTTTCTTTTGTTTCAGTGACACAAATGAAGTTGAT[G>A]TGCCCTTGAATACCAGGGTGGGCACCAAACGCTACATGGCTCCCGAAGTGCTGGACGAAA-3'
Protein context (NP_004320.2, residues 386-406): KFNSDTNEVD[Val396Met]PLNTRVGTKR

ClinVar aggregate classification (germline): Uncertain significance. Review status: criteria provided, multiple submitters, no conflicts (2 of 4 stars). 3 submissions from 3 submitters: Uncertain significance (3). Last evaluated 2026-01-05.

Conditions:
Juvenile polyposis syndrome (JPS). Identifiers: Orphanet 2929, MedGen C0345893, MONDO:0017380, OMIM 174900.
Hereditary cancer-predisposing syndrome. Also called: Hereditary Cancer Syndrome; Neoplastic Syndromes, Hereditary; Hereditary neoplastic syndrome; Tumor predisposition. Identifiers: Orphanet 140162, MedGen C0027672, MeSH D009386, MONDO:0015356.

Allele frequency attached by ClinVar (database versions not stated): gnomAD exomes below 0.00001.
gnomAD v4.1: 2 of 1,614,032 alleles (0.00012%); highest among the groups gnomAD compares: Non-Finnish European, 0.00017%; no homozygotes.

Submissions (3):

Labcorp Genetics (formerly Invitae), Labcorp
Classification: Uncertain significance for Juvenile polyposis syndrome. Last evaluated: 2026-01-05. Review status: criteria provided, single submitter. Criteria: Invitae Variant Classification Sherloc (09022015). Collection method: clinical testing. Allele origin: germline.
Comment: This sequence change replaces valine, which is neutral and non-polar, with methionine, which is neutral and non-polar, at codon 396 of the BMPR1A protein (p.Val396Met). This variant is present in population databases (no rsID available, gnomAD 0.0009%). This variant has not been reported in the literature in individuals affected with BMPR1A-related conditions. ClinVar contains an entry for this variant (Variation ID: 818532). Invitae Evidence Modeling of protein sequence and biophysical properties (such as structural, functional, and spatial information, amino acid conservation, physicochemical variation, residue mobility, and thermodynamic stability) indicates that this missense variant is not expected to disrupt BMPR1A protein function with a negative predictive value of 80%. In summary, the available evidence is currently insufficient to determine the role of this variant in disease. Therefore, it has been classified as a Variant of Uncertain Significance.

Color Diagnostics, LLC DBA Color Health
Classification: Uncertain significance for Hereditary cancer-predisposing syndrome. Last evaluated: 2024-03-06. Review status: criteria provided, single submitter. Criteria: ACMG Guidelines, 2015. Collection method: clinical testing. Allele origin: germline.
Comment: This missense variant replaces valine with methionine at codon 396 of the BMPR1A protein. Computational prediction suggests that this variant may not impact protein structure and function (internally defined REVEL score threshold <= 0.5, PMID: 27666373). To our knowledge, functional studies have not been reported for this variant. This variant has not been reported in individuals affected with BMPR1A-related disorders in the literature. This variant has been identified in 1/251398 chromosomes in the general population by the Genome Aggregation Database (gnomAD). The available evidence is insufficient to determine the role of this variant in disease conclusively. Therefore, this variant is classified as a Variant of Uncertain Significance.

Ambry Genetics
Classification: Uncertain significance for Hereditary cancer-predisposing syndrome. Last evaluated: 2021-04-30. Review status: criteria provided, single submitter. Criteria: Ambry Variant Classification Scheme 2023. Collection method: clinical testing. Allele origin: germline.
Comment: The p.V396M variant (also known as c.1186G>A), located in coding exon 9 of the BMPR1A gene, results from a G to A substitution at nucleotide position 1186. The valine at codon 396 is replaced by methionine, an amino acid with highly similar properties. This amino acid position is not well conserved in available vertebrate species. In addition, this alteration is predicted to be tolerated by in silico analysis. Since supporting evidence is limited at this time, the clinical significance of this alteration remains unclear.